The following is an entry in ClinVar:

ClinVar aggregate classification (germline): Conflicting classifications of pathogenicity. Review status: criteria provided, conflicting classifications (1 of 4 stars). 2 submissions from 2 submitters: Uncertain significance (1); Likely benign (1). Last evaluated 2026-09-04.

Conditions:
Multiple endocrine neoplasia, type 1 (MEN1). Also called: MEN I; WERMER SYNDROME; Endocrine adenomatosis multiple; MEN 1; MEA I. Identifiers: Orphanet 652, MedGen C0025267, MeSH D018761, MONDO:0007540, OMIM 131100.
Hereditary cancer-predisposing syndrome. Also called: Tumor predisposition; Hereditary neoplastic syndrome; Hereditary Cancer Syndrome; Neoplastic Syndromes, Hereditary. Identifiers: Orphanet 140162, MedGen C0027672, MeSH D009386, MONDO:0015356.

Submissions (2):

Ambry Genetics
Classification: Likely benign for Hereditary cancer-predisposing syndrome. Last evaluated: 2026-09-04. Review status: criteria provided, single submitter. Criteria: Ambry Variant Classification Scheme 2023. Collection method: clinical testing. Allele origin: germline.

Labcorp Genetics (formerly Invitae), Labcorp
Classification: Uncertain significance for Multiple endocrine neoplasia, type 1. Last evaluated: 2024-08-06. Review status: criteria provided, single submitter. Criteria: Invitae Variant Classification Sherloc (09022015). Collection method: clinical testing. Allele origin: germline.
Comment: This sequence change affects codon 434 of the MEN1 mRNA. It is a 'silent' change, meaning that it does not change the encoded amino acid sequence of the MEN1 protein. This variant is not present in population databases (gnomAD no frequency). This variant has not been reported in the literature in individuals affected with MEN1-related conditions. Algorithms developed to predict the effect of sequence changes on RNA splicing suggest that this variant may create or strengthen a splice site. In summary, the available evidence is currently insufficient to determine the role of this variant in disease. Therefore, it has been classified as a Variant of Uncertain Significance.

NM_001370259.2(MEN1):c.1302G>A (p.Val434=)

Gene: MEN1 (menin 1; minus strand). Cytogenetic location: 11q13.1.
Variant type: single nucleotide variant.
Coding change: c.1302G>A on transcript NM_001370259.2 (MANE Select); coding-DNA position 1302, G replaced by A.
Protein change: p.Val434=; no amino-acid change (valine 434 retained).
Molecular consequence: synonymous variant. On other transcripts: non-coding transcript variant (4), intron variant (1).
Genome position (GRCh38, 1-based): chr11:64,805,082, C>T on the plus strand (G>A on the coding strand, the complement: MEN1 is on the minus strand). VCF-style: chr11-64805082-C-T. GRCh37 (hg19) VCF-style: chr11-64572554-C-T.
Other names: c.1317G>A, p.Val439= (NM_000244.4, NM_130800.3, NM_130801.3 and 4 more transcripts); c.1428G>A, p.Val476= (NM_001370251.2, NM_001407142.1, NM_001407143.1 and 1 more transcripts); c.1302G>A, p.Val434= (NM_001370260.2, NM_001370261.2, NM_130799.3 and 2 more transcripts); c.1197G>A, p.Val399= (NM_001370262.2, NM_001370263.2, NM_001407148.1 and 1 more transcripts); c.1443G>A, p.Val481= (NM_001407150.1); c.1186-266G>A (NM_001407152.1); c.1323G>A, p.Val441= (NM_001407151.1).
Identifiers: ClinVar variation 3718487 (VCV003718487.3).
Genomic context (GRCh38, chr11:64,805,082, plus strand): 5'-GCTGTCCCTCACCTGTCCCTCAAAACGGCCTAGGGACTGCACAAGAAAGGTGGCCCAGCC[C>T]ACATGCAGCACAGGCGTGGGACTGCCCTCCTCCCATTTGCAGATGCCGTCGTAGAATCGC-3'
Protein context (NP_001357188.2, residues 424-444): EEGSPTPVLH[Val434=]GWATFLVQSL